The following is an entry in ClinVar:

NM_000089.4(COL1A2):c.2789C>T (p.Pro930Leu)

Gene: COL1A2 (collagen type I alpha 2 chain; plus strand). Cytogenetic location: 7q21.3.
Variant type: single nucleotide variant.
Coding change: c.2789C>T on transcript NM_000089.4 (MANE Select); coding-DNA position 2789, C replaced by T.
Protein change: p.Pro930Leu; replaces proline 930 with leucine.
Molecular consequence: missense variant.
Genome position (GRCh38, 1-based): chr7:94,425,617, C>T. VCF-style: chr7-94425617-C-T. GRCh37 (hg19) VCF-style: chr7-94054929-C-T.
Other names: short protein forms P930L.
Identifiers: ClinVar variation 4793254 (VCV004793254.1).
Genomic context (GRCh38, chr7:94,425,617, plus strand): 5'-TGGTAGGCAGCAGAGCCTCACCAACAGCCTTAATTTGTGTGGTGTCTTCACAGGGCAACC[C>T]TGGGAACGATGGTCCCCCAGGTCGCGATGGTCAACCCGGACACAAGGTCAGTACACTTTT-3'
Protein context (NP_000080.2, residues 920-940): APGEAGRDGN[Pro930Leu]GNDGPPGRDG

ClinVar aggregate classification (germline): Uncertain significance (1 of 4 stars; one submission).

Conditions:
Ehlers-Danlos syndrome, classic type, 1 (EDSCL1). Also called: EHLERS-DANLOS SYNDROME, GRAVIS TYPE; EHLERS-DANLOS SYNDROME, SEVERE CLASSIC TYPE; Ehlers-Danlos syndrome, type 1; Ehlers-Danlos Syndrome, Classic Type, COL5A1-Related; EDS I. Identifiers: MedGen C0268335, MONDO:0019567, OMIM 130000.
Osteogenesis imperfecta type I (OI1). Also called: OI, TYPE I; OSTEOGENESIS IMPERFECTA TARDA; OSTEOGENESIS IMPERFECTA WITH BLUE SCLERAE; Osteogenesis imperfecta type 1; Lobstein's Disease; Lobstein disease. Identifiers: Orphanet 216796, Orphanet 666, MedGen C0023931, MONDO:0008146, OMIM 166200. Disease mechanism: loss of function.

gnomAD v4.1: 2 of 1,614,064 alleles (0.00012%); highest among the groups gnomAD compares: Non-Finnish European, 0.00017%; no homozygotes.

Submission:

Labcorp Genetics (formerly Invitae), Labcorp
Classification: Uncertain significance for Osteogenesis imperfecta type I; Ehlers-Danlos syndrome, classic type, 1. Last evaluated: 2025-11-08. Review status: criteria provided, single submitter. Criteria: Invitae Variant Classification Sherloc (09022015). Collection method: clinical testing. Allele origin: germline.
Comment: This sequence change replaces proline, which is neutral and non-polar, with leucine, which is neutral and non-polar, at codon 930 of the COL1A2 protein (p.Pro930Leu). This variant is present in population databases (no rsID available, gnomAD 0.0009%). This variant has not been reported in the literature in individuals affected with COL1A2-related conditions. Invitae Evidence Modeling of protein sequence and biophysical properties (such as structural, functional, and spatial information, amino acid conservation, physicochemical variation, residue mobility, and thermodynamic stability) has been performed for this missense variant. However, the output from this modeling did not meet the statistical confidence thresholds required to predict the impact of this variant on COL1A2 protein function. In summary, the available evidence is currently insufficient to determine the role of this variant in disease. Therefore, it has been classified as a Variant of Uncertain Significance.